The following is an entry in ClinVar:

ClinVar aggregate classification (germline): Uncertain significance. Review status: criteria provided, multiple submitters, no conflicts (2 of 4 stars). 2 submissions from 2 submitters: Uncertain significance (2). Last evaluated 2025-11-10.

Conditions:
Hereditary cancer-predisposing syndrome. Also called: Tumor predisposition; Neoplastic Syndromes, Hereditary; Hereditary neoplastic syndrome; Hereditary Cancer Syndrome. Identifiers: Orphanet 140162, MedGen C0027672, MeSH D009386, MONDO:0015356.
Ataxia-telangiectasia syndrome (AT). Also called: Ataxia-telangiectasia, complementation group D; AT, COMPLEMENTATION GROUP C; ATAXIA-TELANGIECTASIA, COMPLEMENTATION GROUP A; ATAXIA-TELANGIECTASIA, FRESNO VARIANT; Ataxia-telangiectasia; Ataxia telangiectasia (A-T). Identifiers: Orphanet 100, MedGen C0004135, MONDO:0008840, OMIM 208900.

Submissions (2):

Labcorp Genetics (formerly Invitae), Labcorp
Classification: Uncertain significance for Ataxia-telangiectasia syndrome. Last evaluated: 2025-11-10. Review status: criteria provided, single submitter. Criteria: Invitae Variant Classification Sherloc (09022015). Collection method: clinical testing. Allele origin: germline.
Comment: This sequence change replaces valine, which is neutral and non-polar, with glycine, which is neutral and non-polar, at codon 2926 of the ATM protein (p.Val2926Gly). This variant is not present in population databases (gnomAD no frequency). This variant has not been reported in the literature in individuals affected with ATM-related conditions. ClinVar contains an entry for this variant (Variation ID: 1005169). Invitae Evidence Modeling of protein sequence and biophysical properties (such as structural, functional, and spatial information, amino acid conservation, physicochemical variation, residue mobility, and thermodynamic stability) indicates that this missense variant is expected to disrupt ATM protein function with a positive predictive value of 95%. In summary, the available evidence is currently insufficient to determine the role of this variant in disease. Therefore, it has been classified as a Variant of Uncertain Significance.

Ambry Genetics
Classification: Uncertain significance for Hereditary cancer-predisposing syndrome. Last evaluated: 2025-04-18. Review status: criteria provided, single submitter. Criteria: Ambry Variant Classification Scheme 2023. Collection method: clinical testing. Allele origin: germline.
Comment: The p.V2926G variant (also known as c.8777T>G), located in coding exon 59 of the ATM gene, results from a T to G substitution at nucleotide position 8777. The valine at codon 2926 is replaced by glycine, an amino acid with dissimilar properties. This amino acid position is conserved. In addition, this alteration is predicted to be deleterious by in silico analysis. Based on the available evidence, the clinical significance of this variant remains unclear.

NM_000051.4(ATM):c.8777T>G (p.Val2926Gly)

Genes: ATM (ATM serine/threonine kinase; plus strand), C11orf65 (chromosome 11 open reading frame 65; minus strand). Cytogenetic location: 11q22.3.
Variant type: single nucleotide variant.
Coding change: c.8777T>G on transcript NM_000051.4 (MANE Select); coding-DNA position 8777, T replaced by G.
Protein change: p.Val2926Gly; replaces valine 2926 with glycine.
Molecular consequence: missense variant. On other transcripts: intron variant (2).
Genome position (GRCh38, 1-based): chr11:108,353,871, T>G. VCF-style: chr11-108353871-T-G. GRCh37 (hg19) VCF-style: chr11-108224598-T-G.
Other names: c.8777T>G, p.Val2926Gly (NM_001351834.2); c.640+32049A>C (NM_001330368.2); c.695-18579A>C (NM_001351110.2); short protein forms V2926G.
Identifiers: ClinVar variation 1005169 (VCV001005169.46), dbSNP rs773329421, ClinGen allele CA382524310.